The following is an entry in ClinVar:

ClinVar aggregate classification (germline): Uncertain significance (1 of 4 stars; one submission).

gnomAD v4.1: 2 of 1,614,132 alleles (0.00012%); highest among the groups gnomAD compares: Admixed American, 0.0033%; no homozygotes.

Submission:

Labcorp Genetics (formerly Invitae), Labcorp
Classification: Uncertain significance. Last evaluated: 2025-12-03. Review status: criteria provided, single submitter. Criteria: Invitae Variant Classification Sherloc (09022015). Collection method: clinical testing. Allele origin: germline.
Comment: This sequence change replaces serine, which is neutral and polar, with glycine, which is neutral and non-polar, at codon 200 of the RP1L1 protein (p.Ser200Gly). This variant is present in population databases (no rsID available, gnomAD 0.006%). This variant has not been reported in the literature in individuals affected with RP1L1-related conditions. Invitae Evidence Modeling of protein sequence and biophysical properties (such as structural, functional, and spatial information, amino acid conservation, physicochemical variation, residue mobility, and thermodynamic stability) indicates that this missense variant is not expected to disrupt RP1L1 protein function with a negative predictive value of 80%. In summary, the available evidence is currently insufficient to determine the role of this variant in disease. Therefore, it has been classified as a Variant of Uncertain Significance.

NM_178857.6(RP1L1):c.598A>G (p.Ser200Gly)

Gene: RP1L1 (RP1 like 1). Cytogenetic location: 8p23.1.
Variant type: single nucleotide variant.
Coding change: c.598A>G on transcript NM_178857.6 (MANE Select); coding-DNA position 598, A replaced by G.
Protein change: p.Ser200Gly; replaces serine 200 with glycine.
Molecular consequence: missense variant.
Genome position (GRCh38, 1-based): chr8:10,622,604, T>C on the plus strand (A>G on the coding strand, the complement: RP1L1 is on the minus strand). VCF-style: chr8-10622604-T-C. GRCh37 (hg19) VCF-style: chr8-10480114-T-C.
Other names: short protein forms S200G.
Identifiers: ClinVar variation 4692857 (VCV004692857.1).